The following is an entry in ClinVar:

ClinVar aggregate classification (germline): Uncertain significance (1 of 4 stars; one submission).

Submission:

Labcorp Genetics (formerly Invitae), Labcorp
Classification: Uncertain significance. Last evaluated: 2020-05-27. Review status: criteria provided, single submitter. Criteria: Invitae Variant Classification Sherloc (09022015). Collection method: clinical testing. Allele origin: germline.
Comment: In summary, the available evidence is currently insufficient to determine the role of this variant in disease. Therefore, it has been classified as a Variant of Uncertain Significance. This variant is not present in population databases (ExAC no frequency). This variant has not been reported in the literature in individuals with GALNT12-related conditions. This sequence change creates a premature translational stop signal (p.Tyr433Valfs*8) in the GALNT12 gene. It is expected to result in an absent or disrupted protein product. The current clinical and genetic evidence is not sufficient to establish whether loss-of-function variants in GALNT12 cause disease.

NM_024642.5(GALNT12):c.1295_1296insA (p.Tyr433fs)

Gene: GALNT12 (polypeptide N-acetylgalactosaminyltransferase 12; plus strand). Cytogenetic location: 9q22.33.
Variant type: Insertion.
Coding change: c.1295_1296insA on transcript NM_024642.5 (MANE Select); coding-DNA positions 1295 to 1296, A inserted.
Protein change: p.Tyr433fs; shifts the reading frame from tyrosine 433.
Molecular consequence: frameshift variant.
Genome position: GRCh38 VCF-style: chr9-98840084-T-TA. GRCh37 (hg19) VCF-style: chr9-101602366-T-TA.
Other names: short protein forms Y433fs.
Identifiers: ClinVar variation 1003825 (VCV001003825.6), dbSNP rs1836250094, ClinGen allele CA1867118261.